The following is an entry in ClinVar:

ClinVar aggregate classification (germline): Benign/Likely benign. Review status: criteria provided, multiple submitters, no conflicts (2 of 4 stars). 4 submissions from 4 submitters: Benign (2); Likely benign (1). 1 of the submissions does not count toward it. Last evaluated 2025-12-31.

Conditions:
ITGA3-related disorder. Also called: ITGA3-related condition.

Allele frequency attached by ClinVar (database versions not stated): gnomAD 0.00045 and 0.00060; TOPMed 0.00081; 1000 Genomes Project 30x 0.00203; 1000 Genomes Project 0.00240.

Submissions (4):

Labcorp Genetics (formerly Invitae), Labcorp
Classification: Benign. Last evaluated: 2025-12-31. Review status: criteria provided, single submitter. Criteria: Invitae Variant Classification Sherloc (09022015). Collection method: clinical testing. Allele origin: germline.

Blueprint Genetics
Classification: Likely benign. Last evaluated: 2024-09-10. Review status: criteria provided, single submitter. Criteria: ACMG Guidelines, 2015. Collection method: clinical testing. Allele origin: germline.

Breakthrough Genomics
Classification: Benign. Review status: criteria provided, single submitter. Criteria: ACMG Guidelines, 2015. Collection method: not provided. Allele origin: germline. Inheritance: Autosomal recessive inheritance. Affected: yes.

PreventionGenetics, part of Exact Sciences
Classification: Benign for ITGA3-related condition. Last evaluated: 2019-03-08. Review status: no assertion criteria provided. Collection method: clinical testing. Allele origin: germline. Not counted in ClinVar's aggregate classification.
Comment: This variant is classified as benign based on ACMG/AMP sequence variant interpretation guidelines (Richards et al. 2015 PMID: 25741868, with internal and published modifications).

NM_002204.4(ITGA3):c.1668C>G (p.Leu556=)

Gene: ITGA3 (integrin subunit alpha 3; plus strand). Cytogenetic location: 17q21.33.
Variant type: single nucleotide variant.
Coding change: c.1668C>G on transcript NM_002204.4 (MANE Select); coding-DNA position 1668, C replaced by G.
Protein change: p.Leu556=; no amino-acid change (leucine 556 retained).
Molecular consequence: synonymous variant.
Genome position (GRCh38, 1-based): chr17:50,075,729, C>G. VCF-style: chr17-50075729-C-G. GRCh37 (hg19) VCF-style: chr17-48153093-C-G.
Identifiers: ClinVar variation 708230 (VCV000708230.14), dbSNP rs200996148, ClinGen allele CA8641631.